The following is an entry in ClinVar:

NM_000292.3(PHKA2):c.2969C>T (p.Thr990Ile)

Gene: PHKA2 (phosphorylase kinase regulatory subunit alpha 2; minus strand). Cytogenetic location: Xp22.13.
Variant type: single nucleotide variant.
Coding change: c.2969C>T on transcript NM_000292.3 (MANE Select); coding-DNA position 2969, C replaced by T.
Protein change: p.Thr990Ile; replaces threonine 990 with isoleucine.
Molecular consequence: missense variant.
Genome position (GRCh38, 1-based): chrX:18,901,543, G>A on the plus strand (C>T on the coding strand, the complement: PHKA2 is on the minus strand). VCF-style: chrX-18901543-G-A. GRCh37 (hg19) VCF-style: chrX-18919661-G-A.
Other names: short protein forms T990I.
Identifiers: ClinVar variation 2154264 (VCV002154264.4), dbSNP rs1288659737, ClinGen allele CA412381089.
Genomic context (GRCh38, chrX:18,901,543, plus strand): 5'-ACCTGTTTCATTTCACTCCTCAGTCTGTTAATGCCACTCCTCTCAGTTTTGGTGACTCCG[G>A]TATGGCCCACCTCGTGGATGGAGATGGTAGGGCTGGATGTGGAGGAGTGGATAGGGCGCA-3'
Protein context (NP_000283.1, residues 980-1000): PTISIHEVGH[Thr990Ile]GVTKTERSGI

ClinVar aggregate classification (germline): Uncertain significance (1 of 4 stars; one submission).

Conditions:
Glycogen storage disease IXa1. Also called: GLYCOGEN STORAGE DISEASE VIII; GSD VIII; LIVER GLYCOGENOSIS, X-LINKED, TYPE I; Glycogen storage disease 8. Identifiers: Orphanet 264580, MedGen C3694531, MONDO:0010598, OMIM 306000.

Allele frequency attached by ClinVar (database versions not stated): gnomAD exomes below 0.00001; gnomAD 0.00002; TOPMed 0.00002.
gnomAD v4.1: 4 of 1,204,109 alleles (0.00033%); highest among the groups gnomAD compares: African/African-American, 0.0053%; no homozygotes.

Submission:

Labcorp Genetics (formerly Invitae), Labcorp
Classification: Uncertain significance for Glycogen storage disease IXa1. Last evaluated: 2022-06-24. Review status: criteria provided, single submitter. Criteria: Invitae Variant Classification Sherloc (09022015). Collection method: clinical testing. Allele origin: germline.
Comment: In summary, the available evidence is currently insufficient to determine the role of this variant in disease. Therefore, it has been classified as a Variant of Uncertain Significance. Algorithms developed to predict the effect of missense changes on protein structure and function are either unavailable or do not agree on the potential impact of this missense change (SIFT: "Deleterious"; PolyPhen-2: "Benign"; Align-GVGD: "Class C15"). This variant has not been reported in the literature in individuals affected with PHKA2-related conditions. This variant is not present in population databases (gnomAD no frequency). This sequence change replaces threonine, which is neutral and polar, with isoleucine, which is neutral and non-polar, at codon 990 of the PHKA2 protein (p.Thr990Ile).